The following is an entry in ClinVar:

NM_145200.5(CABP4):c.*120T>A

Gene: CABP4 (calcium binding protein 4; plus strand). Cytogenetic location: 11q13.2.
Variant type: single nucleotide variant.
Coding change: c.*120T>A on transcript NM_145200.5 (MANE Select); 120 bases downstream of the stop codon, T replaced by A.
Molecular consequence: 3 prime UTR variant. On other transcripts: non-coding transcript variant (1).
Genome position (GRCh38, 1-based): chr11:67,458,779, T>A. VCF-style: chr11-67458779-T-A. GRCh37 (hg19) VCF-style: chr11-67226250-T-A.
Other names: c.*120T>A (NM_001300895.3, NM_001300896.3, NM_001379183.1).
Identifiers: ClinVar variation 305664 (VCV000305664.6), dbSNP rs372107215, ClinGen allele CA10631338.

ClinVar aggregate classification (germline): Benign. Review status: criteria provided, multiple submitters, no conflicts (2 of 4 stars). 2 submissions from 2 submitters: Benign (2). Last evaluated 2018-01-13.

Conditions:
Cone-rod synaptic disorder, congenital nonprogressive. Also called: NIGHT BLINDNESS, CONGENITAL STATIONARY, INCOMPLETE, AUTOSOMAL RECESSIVE. Identifiers: Orphanet 215, MedGen C4041558, MONDO:0012490, OMIM 610427.

Allele frequency attached by ClinVar (database versions not stated): TOPMed 0.00350; gnomAD 0.00360 and 0.00409; 1000 Genomes Project 0.00399; 1000 Genomes Project 30x 0.00453.

Submissions (2):

Illumina Laboratory Services, Illumina
Classification: Benign for Cone-rod synaptic disorder, congenital nonprogressive. Last evaluated: 2018-01-13. Review status: criteria provided, single submitter. Criteria: ICSL Variant Classification Criteria 13 December 2019. Collection method: clinical testing. Allele origin: germline.
Comment: This variant was observed in the ICSL laboratory as part of a predisposition screen in an ostensibly healthy population. It had not been previously curated by ICSL or reported in the Human Gene Mutation Database (HGMD: prior to June 1st, 2018), and was therefore a candidate for classification through an automated scoring system. Utilizing variant allele frequency, disease prevalence and penetrance estimates, and inheritance mode, an automated score was calculated to assess if this variant is too frequent to cause the disease. Based on the score and internal cut-off values, a variant classified as benign is not then subjected to further curation. The score for this variant resulted in a classification of benign for this disease.

Breakthrough Genomics
Classification: Benign. Review status: criteria provided, single submitter. Criteria: ACMG Guidelines, 2015. Collection method: not provided. Allele origin: germline. Inheritance: Autosomal recessive inheritance. Affected: yes.